The following is an entry in ClinVar:

ClinVar aggregate classification (germline): Uncertain significance. Review status: criteria provided, multiple submitters, no conflicts (2 of 4 stars). 2 submissions from 2 submitters: Uncertain significance (2). Last evaluated 2025-02-03.

Conditions:
Neurofibromatosis, type 1 (NF1). Also called: Peripheral type neurofibromatosis; VON RECKLINGHAUSEN DISEASE; NEUROFIBROMATOSIS, TYPE I, SOMATIC; Neurofibromatosis, type I. Identifiers: Orphanet 636, MedGen C0027831, MONDO:0018975, OMIM 162200. Disease mechanism: loss of function.
Cardiovascular phenotype. Identifiers: MedGen CN230736.
Hereditary cancer-predisposing syndrome. Also called: Hereditary neoplastic syndrome; Tumor predisposition; Neoplastic Syndromes, Hereditary; Hereditary Cancer Syndrome. Identifiers: Orphanet 140162, MedGen C0027672, MeSH D009386, MONDO:0015356.

Allele frequency attached by ClinVar (database versions not stated): gnomAD exomes below 0.00001.
gnomAD v4.1: 1 of 1,613,468 alleles (0.000062%); highest among the groups gnomAD compares: Non-Finnish European, 0.000085%; no homozygotes.

Submissions (2):

Ambry Genetics
Classification: Uncertain significance for Cardiovascular phenotype; Hereditary cancer-predisposing syndrome. Last evaluated: 2025-02-03. Review status: criteria provided, single submitter. Criteria: Ambry Variant Classification Scheme 2023. Collection method: clinical testing. Allele origin: germline.
Comment: The p.V2410M variant (also known as c.7228G>A), located in coding exon 48 of the NF1 gene, results from a G to A substitution at nucleotide position 7228. The valine at codon 2410 is replaced by methionine, an amino acid with highly similar properties. This amino acid position is conserved. In addition, the in silico prediction for this alteration is inconclusive. Based on the available evidence, the clinical significance of this variant remains unclear.

Labcorp Genetics (formerly Invitae), Labcorp
Classification: Uncertain significance for Neurofibromatosis, type 1. Last evaluated: 2022-09-17. Review status: criteria provided, single submitter. Criteria: Invitae Variant Classification Sherloc (09022015). Collection method: clinical testing. Allele origin: germline.
Comment: In summary, the available evidence is currently insufficient to determine the role of this variant in disease. Therefore, it has been classified as a Variant of Uncertain Significance. Advanced modeling of protein sequence and biophysical properties (such as structural, functional, and spatial information, amino acid conservation, physicochemical variation, residue mobility, and thermodynamic stability) performed at Invitae indicates that this missense variant is expected to disrupt NF1 protein function. This variant has not been reported in the literature in individuals affected with NF1-related conditions. This variant is not present in population databases (gnomAD no frequency). This sequence change replaces valine, which is neutral and non-polar, with methionine, which is neutral and non-polar, at codon 2410 of the NF1 protein (p.Val2410Met).

NM_001042492.3(NF1):c.7291G>A (p.Val2431Met)

Gene: NF1 (neurofibromin 1; plus strand). Cytogenetic location: 17q11.2.
Variant type: single nucleotide variant.
Coding change: c.7291G>A on transcript NM_001042492.3 (MANE Select); coding-DNA position 7291, G replaced by A.
Protein change: p.Val2431Met; replaces valine 2431 with methionine.
Molecular consequence: missense variant.
Genome position (GRCh38, 1-based): chr17:31,349,221, G>A. VCF-style: chr17-31349221-G-A. GRCh37 (hg19) VCF-style: chr17-29676239-G-A.
Other names: c.7228G>A, p.Val2410Met (NM_000267.4); short protein forms V2410M, V2431M.
Identifiers: ClinVar variation 1719675 (VCV001719675.6), dbSNP rs1597858560, ClinGen allele CA399016867.
Genomic context (GRCh38, chr17:31,349,221, plus strand): 5'-AGAATTTTACATACACTACTAACTCTGGTTAACAAACACAGAAATTGTGACAAATTTGAA[G>A]TGAATACACAGAGCGTGGCCTACTTAGCAGGTAAAAACACAAAATAAACAAAATTAATCT-3'
Protein context (NP_001035957.1, residues 2421-2441): NKHRNCDKFE[Val2431Met]NTQSVAYLAA